The following is an entry in ClinVar:

ClinVar aggregate classification (germline): Uncertain significance (1 of 4 stars; one submission).

Conditions:
Inborn genetic diseases. Identifiers: MedGen C0950123, MeSH D030342.

Submission:

Ambry Genetics
Classification: Uncertain significance for Inborn genetic diseases. Last evaluated: 2024-08-30. Review status: criteria provided, single submitter. Criteria: Ambry Variant Classification Scheme 2023. Collection method: clinical testing. Allele origin: germline.
Comment: The c.106T>G (p.Y36D) alteration is located in exon 3 (coding exon 3) of the PHF5A gene. This alteration results from a T to G substitution at nucleotide position 106, causing the tyrosine (Y) at amino acid position 36 to be replaced by an aspartic acid (D). This variant was not reported in population-based cohorts in the Genome Aggregation Database (gnomAD). This amino acid position is highly conserved in available vertebrate species. This missense alteration is located in a region that has a low rate of benign missense variation (Lek, 2016; Firth, 2009). This alteration is predicted to be deleterious by in silico analysis. Based on insufficient or conflicting evidence, the clinical significance of this alteration remains unclear.

NM_032758.4(PHF5A):c.106T>G (p.Tyr36Asp)

Gene: PHF5A (PHD finger protein 5A; minus strand). Cytogenetic location: 22q13.2.
Variant type: single nucleotide variant.
Coding change: c.106T>G on transcript NM_032758.4 (MANE Select); coding-DNA position 106, T replaced by G.
Protein change: p.Tyr36Asp; replaces tyrosine 36 with aspartic acid.
Molecular consequence: missense variant.
Genome position (GRCh38, 1-based): chr22:41,467,585, A>C on the plus strand (T>G on the coding strand, the complement: PHF5A is on the minus strand). VCF-style: chr22-41467585-A-C. GRCh37 (hg19) VCF-style: chr22-41863589-A-C.
Other names: short protein forms Y36D.
Identifiers: ClinVar variation 3417711 (VCV003417711.1).